The following is an entry in ClinVar:

NM_001018115.3(FANCD2):c.1550T>C (p.Ile517Thr)

Genes: FANCD2 (FA complementation group D2; plus strand), LOC107303338 (3p25 FANCD2 Alu-mediated recombination region; plus strand). Cytogenetic location: 3p25.3.
Variant type: single nucleotide variant.
Coding change: c.1550T>C on transcript NM_001018115.3 (MANE Select); coding-DNA position 1550, T replaced by C.
Protein change: p.Ile517Thr; replaces isoleucine 517 with threonine.
Molecular consequence: missense variant. On other transcripts: intron variant (1).
Genome position (GRCh38, 1-based): chr3:10,052,391, T>C. VCF-style: chr3-10052391-T-C. GRCh37 (hg19) VCF-style: chr3-10094075-T-C.
Other names: c.1550T>C, p.Ile517Thr (NM_001319984.2, NM_001374254.1, NM_033084.6); c.1545+2886T>C (NM_001374253.1); short protein forms I517T.
Identifiers: ClinVar variation 568836 (VCV000568836.11), dbSNP rs1221998060, ClinGen allele CA351739673.

ClinVar aggregate classification (germline): Uncertain significance. Review status: criteria provided, multiple submitters, no conflicts (2 of 4 stars). 2 submissions from 2 submitters: Uncertain significance (2). Last evaluated 2021-08-28.

Conditions:
Fanconi anemia complementation group D2. Also called: FANCD2-Related Fanconi Anemia; FANCONI PANCYTOPENIA, TYPE 4; FANCONI ANEMIA, COMPLEMENTATION GROUP D. Identifiers: Orphanet 84, MedGen C3160738, MONDO:0009214, OMIM 227646.
Fanconi anemia (FA). Also called: Fanconi's anemia. Identifiers: Orphanet 84, MedGen C0015625, MeSH D005199, MONDO:0019391.

Allele frequency attached by ClinVar (database versions not stated): gnomAD exomes below 0.00001 and 0.00002; TOPMed 0.00002.
gnomAD v4.1: 32 of 1,602,862 alleles (0.002%); highest among the groups gnomAD compares: Non-Finnish European, 0.0023%; no homozygotes.

Submissions (2):

Labcorp Genetics (formerly Invitae), Labcorp
Classification: Uncertain significance for Fanconi anemia. Last evaluated: 2021-08-28. Review status: criteria provided, single submitter. Criteria: Invitae Variant Classification Sherloc (09022015). Collection method: clinical testing. Allele origin: germline.
Comment: This sequence change replaces isoleucine with threonine at codon 517 of the FANCD2 protein (p.Ile517Thr). The isoleucine residue is moderately conserved and there is a moderate physicochemical difference between isoleucine and threonine. This variant is not present in population databases (ExAC no frequency). This variant has not been reported in the literature in individuals affected with FANCD2-related conditions. Algorithms developed to predict the effect of missense changes on protein structure and function are either unavailable or do not agree on the potential impact of this missense change (SIFT: "Deleterious"; PolyPhen-2: "Possibly Damaging"; Align-GVGD: "Class C0"). In summary, the available evidence is currently insufficient to determine the role of this variant in disease. Therefore, it has been classified as a Variant of Uncertain Significance.

Illumina Laboratory Services, Illumina
Classification: Uncertain significance for Fanconi anemia complementation group D2. Last evaluated: 2019-06-27. Review status: criteria provided, single submitter. Criteria: ICSLVariantClassificationCriteria RUGD 01 April 2020. Collection method: clinical testing. Allele origin: unknown.
Comment: The FANCD2 c.1550T>C (p.Ile517Thr) variant is a missense variant. A literature search was performed for the gene, cDNA change and amino acid change. No publications were found based on this search. The variant is reported at a frequency of 0.000009 in the European (non-Finnish) population from the Genome Aggregation Database, though this is based on one allele in a region of good sequencing coverage so the variant is presumed to be rare. Based on the limited evidence, the p.Ile517Thr variant is classified as a variant of uncertain significance for Fanconi anemia.